The following is an entry in ClinVar:

ClinVar aggregate classification (germline): Uncertain significance (1 of 4 stars; one submission).

Conditions:
Hypercholesterolemia, autosomal dominant, 3 (FHCL3). Also called: Familial Hypercholesterolemia, Autosomal Dominant, 3; PCSK9-Related Familial Hypercholesterolemia, Autosomal Dominant; Familial hypercholesterolemia 3. Identifiers: MedGen C1863551, MONDO:0011369, OMIM 603776.

Submission:

All of Us Research Program, National Institutes of Health
Classification: Uncertain significance for Hypercholesterolemia, autosomal dominant, 3. Last evaluated: 2024-02-22. Review status: criteria provided, single submitter. Criteria: ACMG Guidelines, 2015. Collection method: clinical testing. Allele origin: germline. Inheritance: Autosomal dominant inheritance. Observed: 1 variant allele, 1 heterozygote.
Comment: This missense variant replaces cysteine with arginine at codon 301 of the PCSK9 protein. Computational prediction suggests that this variant may have deleterious impact on protein structure and function (internally defined REVEL score threshold >= 0.7, PMID: 27666373). To our knowledge, functional studies have not been reported for this variant. This variant has not been reported in individuals affected with PCSK9-related disorders in the literature. This variant has not been identified in the general population by the Genome Aggregation Database (gnomAD). The available evidence is insufficient to determine the role of this variant in disease conclusively. Therefore, this variant is classified as a Variant of Uncertain Significance.

This study involves interpretation of variants in research participants for the purpose of population health screening. Participant phenotype was not available at the time of variant classification. Additional details can be found in publication PMID: 35346344, PMCID: PMC8962531

NM_174936.4(PCSK9):c.901T>C (p.Cys301Arg)

Gene: PCSK9 (proprotein convertase subtilisin/kexin type 9; plus strand). Cytogenetic location: 1p32.3.
Variant type: single nucleotide variant.
Coding change: c.901T>C on transcript NM_174936.4 (MANE Select); coding-DNA position 901, T replaced by C.
Protein change: p.Cys301Arg; replaces cysteine 301 with arginine.
Molecular consequence: missense variant. On other transcripts: non-coding transcript variant (8).
Genome position (GRCh38, 1-based): chr1:55,056,094, T>C. VCF-style: chr1-55056094-T-C. GRCh37 (hg19) VCF-style: chr1-55521767-T-C.
Other names: c.1024T>C, p.Cys342Arg (NM_001407240.1); c.901T>C, p.Cys301Arg (NM_001407241.1, NM_001407244.1, NM_001407247.1); c.904T>C, p.Cys302Arg (NM_001407242.1); c.844T>C, p.Cys282Arg (NM_001407243.1); c.709T>C, p.Cys237Arg (NM_001407245.1); c.526T>C, p.Cys176Arg (NM_001407246.1); short protein forms C176R, C237R, C282R, C301R, C302R, C342R.
Identifiers: ClinVar variation 3387436 (VCV003387436.1).